The following is an entry in ClinVar:

ClinVar aggregate classification (germline): Benign/Likely benign. Review status: criteria provided, multiple submitters, no conflicts (2 of 4 stars). 3 submissions from 3 submitters: Benign (1); Likely benign (1). 1 of the submissions does not count toward it. Last evaluated 2025-09-29.

Conditions:
TUBB4B-related disorder. Also called: TUBB4B-related condition.

Allele frequency attached by ClinVar (database versions not stated): gnomAD exomes 0.00010 and 0.00023; 1000 Genomes Project 0.00020; ExAC 0.00027; 1000 Genomes Project 30x 0.00047; gnomAD 0.00062 and 0.00064; TOPMed 0.00071; ESP Exome Variant Server 0.00092.
gnomAD v4.1: 241 of 1,613,482 alleles (0.015%); highest among the groups gnomAD compares: African/African-American, 0.2%; no homozygotes.

Submissions (3):

Labcorp Genetics (formerly Invitae), Labcorp
Classification: Benign. Last evaluated: 2025-09-29. Review status: criteria provided, single submitter. Criteria: Invitae Variant Classification Sherloc (09022015). Collection method: clinical testing. Allele origin: germline.

Blueprint Genetics
Classification: Likely benign. Last evaluated: 2024-08-27. Review status: criteria provided, single submitter. Criteria: ACMG Guidelines, 2015. Collection method: clinical testing. Allele origin: germline.

PreventionGenetics, part of Exact Sciences
Classification: Likely benign for TUBB4B-related condition. Last evaluated: 2024-03-15. Review status: no assertion criteria provided. Collection method: clinical testing. Allele origin: germline. Not counted in ClinVar's aggregate classification.
Comment: This variant is classified as likely benign based on ACMG/AMP sequence variant interpretation guidelines (Richards et al. 2015 PMID: 25741868, with internal and published modifications).

NM_006088.6(TUBB4B):c.1044T>C (p.Asn348=)

Gene: TUBB4B (tubulin beta 4B class IVb; plus strand). Cytogenetic location: 9q34.3.
Variant type: single nucleotide variant.
Coding change: c.1044T>C on transcript NM_006088.6 (MANE Select); coding-DNA position 1044, T replaced by C.
Protein change: p.Asn348=; no amino-acid change (asparagine 348 retained).
Molecular consequence: synonymous variant.
Genome position (GRCh38, 1-based): chr9:137,243,262, T>C. VCF-style: chr9-137243262-T-C. GRCh37 (hg19) VCF-style: chr9-140137714-T-C.
Other names: c.1044T>C (NM_006088.5).
Identifiers: ClinVar variation 1599752 (VCV001599752.10), dbSNP rs147118736, ClinGen allele CA5365450.
Genomic context (GRCh38, chr9:137,243,262, plus strand): 5'-GCAAATGCTTAATGTCCAAAACAAAAACAGCAGCTATTTTGTTGAGTGGATCCCCAACAA[T>C]GTGAAAACGGCTGTCTGTGACATCCCACCTCGGGGGCTAAAAATGTCCGCCACCTTCATT-3'
Protein context (NP_006079.1, residues 338-358): SSYFVEWIPN[Asn348=]VKTAVCDIPP